The following is an entry in ClinVar:

ClinVar aggregate classification (germline): Uncertain significance (1 of 4 stars; one submission).

Submission:

Ambry Genetics
Classification: Uncertain significance. Last evaluated: 2024-04-19. Review status: criteria provided, single submitter. Criteria: Ambry Variant Classification Scheme 2023. Collection method: clinical testing. Allele origin: germline.
Comment: The p.P3685R variant (also known as c.11054C>G), located in coding exon 77 of the PRKDC gene, results from a C to G substitution at nucleotide position 11054. The proline at codon 3685 is replaced by arginine, an amino acid with dissimilar properties. This amino acid position is conserved. Based on the available evidence, the clinical significance of this variant remains unclear.

NM_006904.7(PRKDC):c.11054C>G (p.Pro3685Arg)

Gene: PRKDC (protein kinase, DNA-activated, catalytic subunit; minus strand). Cytogenetic location: 8q11.21.
Variant type: single nucleotide variant.
Coding change: c.11054C>G on transcript NM_006904.7 (MANE Select); coding-DNA position 11054, C replaced by G.
Protein change: p.Pro3685Arg; replaces proline 3685 with arginine.
Molecular consequence: missense variant.
Genome position (GRCh38, 1-based): chr8:47,785,166, G>C on the plus strand (C>G on the coding strand, the complement: PRKDC is on the minus strand). VCF-style: chr8-47785166-G-C. GRCh37 (hg19) VCF-style: chr8-48697727-G-C.
Other names: c.11054C>G, p.Pro3685Arg (NM_001081640.2); short protein forms P3685R.
Identifiers: ClinVar variation 3310032 (VCV003310032.1).
Genomic context (GRCh38, chr8:47,785,166, plus strand): 5'-AACTCACCGGGAATCTCCAGCTCATTTCTCAGGAACTCCACTTTGAAGTCGCTCATCCAG[G>C]GTGAACATTCTTTCAGATTCCCAGGGGGCTTTGAGTCTTTGTTCATTTTTAAAAGTAGCA-3'
Protein context (NP_008835.5, residues 3675-3695): KPPGNLKECS[Pro3685Arg]WMSDFKVEFL